The following is an entry in ClinVar:

ClinVar aggregate classification (germline): Uncertain significance (1 of 4 stars; one submission).

Conditions:
Fanconi anemia (FA). Also called: Fanconi's anemia. Identifiers: Orphanet 84, MedGen C0015625, MeSH D005199, MONDO:0019391.

Allele frequency attached by ClinVar (database versions not stated): gnomAD exomes below 0.00001; ExAC 0.00001.
gnomAD v4.1: 2 of 1,606,040 alleles (0.00012%); highest among the groups gnomAD compares: Non-Finnish European, 0.00017%; no homozygotes.

Submission:

Labcorp Genetics (formerly Invitae), Labcorp
Classification: Uncertain significance for Fanconi anemia. Last evaluated: 2024-01-02. Review status: criteria provided, single submitter. Criteria: Invitae Variant Classification Sherloc (09022015). Collection method: clinical testing. Allele origin: germline.
Comment: This sequence change falls in intron 20 of the FANCA gene. It does not directly change the encoded amino acid sequence of the FANCA protein. It affects a nucleotide within the consensus splice site. This variant is present in population databases (rs772236777, gnomAD 0.0009%). This variant has not been reported in the literature in individuals affected with FANCA-related conditions. ClinVar contains an entry for this variant (Variation ID: 1058432). Variants that disrupt the consensus splice site are a relatively common cause of aberrant splicing (PMID: 17576681, 9536098). Algorithms developed to predict the effect of sequence changes on RNA splicing suggest that this variant may disrupt the consensus splice site. In summary, the available evidence is currently insufficient to determine the role of this variant in disease. Therefore, it has been classified as a Variant of Uncertain Significance.

Literature cited by the submitters: PubMed 17576681; PubMed 9536098.

NM_000135.4(FANCA):c.1827-3C>G

Gene: FANCA (FA complementation group A; minus strand). Cytogenetic location: 16q24.3.
Variant type: single nucleotide variant.
Coding change: c.1827-3C>G on transcript NM_000135.4 (MANE Select); 3 bases into the intron before coding-DNA position 1827, C replaced by G.
Molecular consequence: intron variant.
Genome position (GRCh38, 1-based): chr16:89,775,818, G>C on the plus strand (C>G on the coding strand, the complement: FANCA is on the minus strand). VCF-style: chr16-89775818-G-C. GRCh37 (hg19) VCF-style: chr16-89842226-G-C.
Other names: c.1827-3C>G (NM_001286167.3).
Identifiers: ClinVar variation 1058432 (VCV001058432.7), dbSNP rs772236777, ClinGen allele CA8252012.